The following is an entry in ClinVar:

ClinVar aggregate classification (germline): Uncertain significance. Review status: criteria provided, multiple submitters, no conflicts (2 of 4 stars). 2 submissions from 2 submitters: Uncertain significance (2). Last evaluated 2021-02-25.

Conditions:
Isolated microphthalmia 5. Also called: Posterior Microphthalmia with Retinitis Pigmentosa, Foveoschisis, and Optic Disc Drusen. Identifiers: Orphanet 251279, MedGen C1970236, MONDO:0012605, OMIM 611040.

gnomAD v4.1: 1 of 1,613,486 alleles (0.000062%); highest among the groups gnomAD compares: Non-Finnish European, 0.000085%; no homozygotes.

Submissions (2):

Blueprint Genetics
Classification: Uncertain significance. Last evaluated: 2021-02-25. Review status: criteria provided, single submitter. Criteria: ACMG Guidelines, 2015. Collection method: clinical testing. Allele origin: germline.

Labcorp Genetics (formerly Invitae), Labcorp
Classification: Uncertain significance for Isolated microphthalmia 5. Last evaluated: 2019-08-25. Review status: criteria provided, single submitter. Criteria: Invitae Variant Classification Sherloc (09022015). Collection method: clinical testing. Allele origin: germline.
Comment: This sequence change replaces proline with alanine at codon 423 of the MFRP protein (p.Pro423Ala). The proline residue is weakly conserved and there is a small physicochemical difference between proline and alanine. This variant is not present in population databases (ExAC no frequency). This variant has not been reported in the literature in individuals with MFRP-related conditions. Algorithms developed to predict the effect of missense changes on protein structure and function (SIFT, PolyPhen-2, Align-GVGD) all suggest that this variant is likely to be tolerated, but these predictions have not been confirmed by published functional studies and their clinical significance is uncertain. In summary, the available evidence is currently insufficient to determine the role of this variant in disease. Therefore, it has been classified as a Variant of Uncertain Significance.

NM_031433.4(MFRP):c.1267C>G (p.Pro423Ala)

Genes: C1QTNF5 (C1q and TNF related 5; minus strand), MFRP (membrane frizzled-related protein; minus strand). Cytogenetic location: 11q23.3.
Variant type: single nucleotide variant.
Coding change: c.1267C>G on transcript NM_031433.4 (MANE Select); coding-DNA position 1267, C replaced by G.
Protein change: p.Pro423Ala; replaces proline 423 with alanine.
Molecular consequence: missense variant. On other transcripts: 5 prime UTR variant (1).
Genome position (GRCh38, 1-based): chr11:119,342,716, G>C on the plus strand (C>G on the coding strand, the complement: MFRP is on the minus strand). VCF-style: chr11-119342716-G-C. GRCh37 (hg19) VCF-style: chr11-119213426-G-C.
Other names: c.-1370C>G (NM_015645.5); short protein forms P423A.
Identifiers: ClinVar variation 956561 (VCV000956561.11), dbSNP rs757833183, ClinGen allele CA382973947.